The following is an entry in ClinVar:

ClinVar aggregate classification (germline): Likely benign. Review status: criteria provided, multiple submitters, no conflicts (2 of 4 stars). 2 submissions from 2 submitters: Likely benign (2). Last evaluated 2025-03-01.

Allele frequency attached by ClinVar (database versions not stated): ExAC 0.00001; TOPMed 0.00002.
gnomAD v4.1: 14 of 1,614,136 alleles (0.00087%); highest among the groups gnomAD compares: South Asian, 0.0022%; no homozygotes.

Submissions (2):

CeGaT Center for Human Genetics Tuebingen
Classification: Likely benign. Last evaluated: 2025-03-01. Review status: criteria provided, single submitter. Criteria: CeGaT Center For Human Genetics Tuebingen Variant Classification Criteria Version 2. Collection method: clinical testing. Allele origin: germline. Affected: yes. Observed: 1 variant allele.
Comment: LAMB1: BP4, BP7

Labcorp Genetics (formerly Invitae), Labcorp
Classification: Likely benign. Last evaluated: 2022-09-07. Review status: criteria provided, single submitter. Criteria: Invitae Variant Classification Sherloc (09022015). Collection method: clinical testing. Allele origin: germline.

NM_002291.3(LAMB1):c.2916G>A (p.Ser972=)

Gene: LAMB1 (laminin subunit beta 1; minus strand). Cytogenetic location: 7q31.1.
Variant type: single nucleotide variant.
Coding change: c.2916G>A on transcript NM_002291.3 (MANE Select); coding-DNA position 2916, G replaced by A.
Protein change: p.Ser972=; no amino-acid change (serine 972 retained).
Molecular consequence: synonymous variant.
Genome position (GRCh38, 1-based): chr7:107,953,693, C>T on the plus strand (G>A on the coding strand, the complement: LAMB1 is on the minus strand). VCF-style: chr7-107953693-C-T. GRCh37 (hg19) VCF-style: chr7-107594138-C-T.
Identifiers: ClinVar variation 1925481 (VCV001925481.12), dbSNP rs764760549, ClinGen allele CA4435482.